The following is an entry in ClinVar:

NM_001366145.2(TRPM3):c.974-5T>A

Gene: TRPM3 (transient receptor potential cation channel subfamily M member 3; minus strand). Cytogenetic location: 9q21.12.
Variant type: single nucleotide variant.
Coding change: c.974-5T>A on transcript NM_001366145.2 (MANE Select); 5 bases into the intron before coding-DNA position 974, T replaced by A.
Molecular consequence: intron variant.
Genome position (GRCh38, 1-based): chr9:70,784,284, A>T on the plus strand (T>A on the coding strand, the complement: TRPM3 is on the minus strand). VCF-style: chr9-70784284-A-T. GRCh37 (hg19) VCF-style: chr9-73399200-A-T.
Other names: c.980-5T>A (NM_001366143.2, NM_001366141.2, NM_001366142.2 and 1 more transcripts); c.974-5T>A (NM_001366150.2, NM_001366151.2, NM_001007471.4 and 3 more transcripts); c.1049-5T>A (NM_001366148.2, NM_001366152.2, NM_001366147.2); c.515-5T>A (NM_206944.5, NM_020952.6, NM_206945.5 and 3 more transcripts); c.590-5T>A (NM_206947.5, NM_206946.5, NM_001007470.3).
Identifiers: ClinVar variation 2573885 (VCV002573885.1), dbSNP rs774355093, ClinGen allele CA2580616206.

ClinVar aggregate classification (germline): Uncertain significance (1 of 4 stars; one submission).

gnomAD v4.1: 21 of 1,574,086 alleles (0.0013%); highest among the groups gnomAD compares: Non-Finnish European, 0.0017%; no homozygotes.

Submission:

GeneDx
Classification: Uncertain significance. Last evaluated: 2023-01-23. Review status: criteria provided, single submitter. Criteria: GeneDx Variant Classification Process June 2021. Collection method: clinical testing. Allele origin: germline. Affected: yes.
Comment: Not observed at significant frequency in large population cohorts (gnomAD); In silico analysis supports a deleterious effect on splicing; Has not been previously published as pathogenic or benign to our knowledge